The following is an entry in ClinVar:

NM_003184.4(TAF2):c.2110A>G (p.Lys704Glu)

Gene: TAF2 (TATA-box binding protein associated factor 2; minus strand). Cytogenetic location: 8q24.12.
Variant type: single nucleotide variant.
Coding change: c.2110A>G on transcript NM_003184.4 (MANE Select); coding-DNA position 2110, A replaced by G.
Protein change: p.Lys704Glu; replaces lysine 704 with glutamic acid.
Molecular consequence: missense variant.
Genome position (GRCh38, 1-based): chr8:119,783,383, T>C on the plus strand (A>G on the coding strand, the complement: TAF2 is on the minus strand). VCF-style: chr8-119783383-T-C. GRCh37 (hg19) VCF-style: chr8-120795623-T-C.
Other names: c.2110A>G (NM_003184.3); short protein forms K704E.
Identifiers: ClinVar variation 1990147 (VCV001990147.3), dbSNP rs775167911, ClinGen allele CA4857160.

ClinVar aggregate classification (germline): Uncertain significance. Review status: criteria provided, multiple submitters, no conflicts (2 of 4 stars). 2 submissions from 2 submitters: Uncertain significance (2). Last evaluated 2025-08-05.

Conditions:
Inborn genetic diseases. Identifiers: MedGen C0950123, MeSH D030342.

Allele frequency attached by ClinVar (database versions not stated): gnomAD exomes 0.00001; ExAC 0.00002; TOPMed 0.00005; gnomAD 0.00006.

Submissions (2):

Ambry Genetics
Classification: Uncertain significance for Inborn genetic diseases. Last evaluated: 2025-08-05. Review status: criteria provided, single submitter. Criteria: Ambry Variant Classification Scheme 2023. Collection method: clinical testing. Allele origin: germline.

Labcorp Genetics (formerly Invitae), Labcorp
Classification: Uncertain significance. Last evaluated: 2023-12-18. Review status: criteria provided, single submitter. Criteria: Invitae Variant Classification Sherloc (09022015). Collection method: clinical testing. Allele origin: germline.
Comment: This sequence change replaces lysine, which is basic and polar, with glutamic acid, which is acidic and polar, at codon 704 of the TAF2 protein (p.Lys704Glu). This variant is present in population databases (rs775167911, gnomAD 0.01%). This variant has not been reported in the literature in individuals affected with TAF2-related conditions. ClinVar contains an entry for this variant (Variation ID: 1990147). An algorithm developed to predict the effect of missense changes on protein structure and function (PolyPhen-2) suggests that this variant¬†is likely to be tolerated. In summary, the available evidence is currently insufficient to determine the role of this variant in disease. Therefore, it has been classified as a Variant of Uncertain Significance.